The following is an entry in ClinVar:

ClinVar aggregate classification (germline): Conflicting classifications of pathogenicity. Review status: criteria provided, conflicting classifications (1 of 4 stars). 7 submissions from 7 submitters: Uncertain significance (2); Likely benign (4). 1 of the submissions does not count toward it. Last evaluated 2026-01-31.

Conditions:
FRAS1-related disorder. Also called: FRAS1-related condition.
Inborn genetic diseases. Identifiers: MedGen C0950123, MeSH D030342.

Allele frequency attached by ClinVar (database versions not stated): gnomAD exomes 0.00026 and 0.00057; ExAC 0.00057; 1000 Genomes Project 30x 0.00125; 1000 Genomes Project 0.00140; ESP Exome Variant Server 0.00192; gnomAD 0.00265 and 0.00285; TOPMed 0.00289.
gnomAD v4.1: 789 of 1,613,464 alleles (0.049%); highest among the groups gnomAD compares: African/African-American, 0.98%; 5 homozygotes.

Submissions (7):

Labcorp Genetics (formerly Invitae), Labcorp
Classification: Likely benign. Last evaluated: 2026-01-31. Review status: criteria provided, single submitter. Criteria: Invitae Variant Classification Sherloc (09022015). Collection method: clinical testing. Allele origin: germline.

Blueprint Genetics
Classification: Likely benign. Last evaluated: 2024-11-13. Review status: criteria provided, single submitter. Criteria: ACMG Guidelines, 2015. Collection method: clinical testing. Allele origin: germline.

Ambry Genetics
Classification: Uncertain significance for Inborn genetic diseases. Last evaluated: 2024-05-15. Review status: criteria provided, single submitter. Criteria: Ambry Variant Classification Scheme 2023. Collection method: clinical testing. Allele origin: germline.

GeneDx
Classification: Uncertain significance. Last evaluated: 2024-03-05. Review status: criteria provided, single submitter. Criteria: GeneDx Variant Classification Process June 2021. Collection method: clinical testing. Allele origin: germline. Affected: yes.
Comment: Observed with additional FRAS1 variants (phase unknown) in a patient with focal segmental glomerulosclerosis in published literature (PMID: 31308072); In silico analysis supports that this missense variant has a deleterious effect on protein structure/function; This variant is associated with the following publications: (PMID: 35368817, 31308072)

CeGaT Center for Human Genetics Tuebingen
Classification: Likely benign. Last evaluated: 2023-12-01. Review status: criteria provided, single submitter. Criteria: CeGaT Center For Human Genetics Tuebingen Variant Classification Criteria Version 2. Collection method: clinical testing. Allele origin: germline. Affected: yes. Observed: 1 variant allele.
Comment: FRAS1: BP4, BS2

Eurofins Ntd Llc (ga)
Classification: Likely benign. Last evaluated: 2015-02-23. Review status: criteria provided, single submitter. Criteria: EGL Classification Definitions 2015. Collection method: clinical testing. Allele origin: germline. Observed: 2 variant alleles, 2 heterozygotes.

PreventionGenetics, part of Exact Sciences
Classification: Likely benign for FRAS1-related condition. Last evaluated: 2019-03-27. Review status: no assertion criteria provided. Collection method: clinical testing. Allele origin: germline. Not counted in ClinVar's aggregate classification.
Comment: This variant is classified as likely benign based on ACMG/AMP sequence variant interpretation guidelines (Richards et al. 2015 PMID: 25741868, with internal and published modifications).

NM_025074.7(FRAS1):c.6584A>G (p.Glu2195Gly)

Gene: FRAS1 (Fraser extracellular matrix complex subunit 1; plus strand). Cytogenetic location: 4q21.21.
Variant type: single nucleotide variant.
Coding change: c.6584A>G on transcript NM_025074.7 (MANE Select); coding-DNA position 6584, A replaced by G.
Protein change: p.Glu2195Gly; replaces glutamic acid 2195 with glycine.
Molecular consequence: missense variant.
Genome position (GRCh38, 1-based): chr4:78,452,175, A>G. VCF-style: chr4-78452175-A-G. GRCh37 (hg19) VCF-style: chr4-79373329-A-G.
Other names: short protein forms E2195G.
Identifiers: ClinVar variation 197572 (VCV000197572.42), dbSNP rs10029227, ClinGen allele CA202957.